The following is an entry in ClinVar:

NM_000041.4(APOE):c.125A>C (p.Gln42Pro)

Gene: APOE (apolipoprotein E; plus strand). Cytogenetic location: 19q13.32.
Variant type: single nucleotide variant.
Coding change: c.125A>C on transcript NM_000041.4 (MANE Select); coding-DNA position 125, A replaced by C.
Protein change: p.Gln42Pro; replaces glutamine 42 with proline.
Molecular consequence: missense variant.
Genome position (GRCh38, 1-based): chr19:44,907,841, A>C. VCF-style: chr19-44907841-A-C. GRCh37 (hg19) VCF-style: chr19-45411098-A-C.
Other names: c.203A>C, p.Gln68Pro (NM_001302688.2); c.125A>C, p.Gln42Pro (NM_001302689.2, NM_001302690.2, NM_001302691.2); short protein forms Q42P, Q68P.
Identifiers: ClinVar variation 1762635 (VCV001762635.2), dbSNP rs2513539611, ClinGen allele CA406303288.

ClinVar aggregate classification (germline): Uncertain significance (1 of 4 stars; one submission).

Conditions:
Cardiovascular phenotype. Identifiers: MedGen CN230736.

Submission:

Ambry Genetics
Classification: Uncertain significance for Cardiovascular phenotype. Last evaluated: 2022-09-26. Review status: criteria provided, single submitter. Criteria: Ambry Variant Classification Scheme 2023. Collection method: clinical testing. Allele origin: germline.
Comment: The p.Q42P variant (also known as c.125A>C), located in coding exon 2 of the APOE gene, results from an A to C substitution at nucleotide position 125. The glutamine at codon 42 is replaced by proline, an amino acid with similar properties. This amino acid position is conserved. In addition, the in silico prediction for this alteration is inconclusive. Since supporting evidence is limited at this time, the clinical significance of this alteration remains unclear.